The following is an entry in ClinVar:

ClinVar aggregate classification (germline): Uncertain significance. Review status: criteria provided, single submitter (1 of 4 stars). 2 submissions from 2 submitters: Uncertain significance (1). 1 of the submissions does not count toward it. Last evaluated 2023-08-03.

Conditions:
TRRAP-related disorder. Also called: TRRAP-related condition.

gnomAD v4.1: 2 of 1,613,472 alleles (0.00012%); highest among the groups gnomAD compares: Admixed American, 0.0033%; no homozygotes.

Submissions (2):

Labcorp Genetics (formerly Invitae), Labcorp
Classification: Uncertain significance. Last evaluated: 2023-08-03. Review status: criteria provided, single submitter. Criteria: Invitae Variant Classification Sherloc (09022015). Collection method: clinical testing. Allele origin: germline.
Comment: In summary, the available evidence is currently insufficient to determine the role of this variant in disease. Therefore, it has been classified as a Variant of Uncertain Significance. Advanced modeling of protein sequence and biophysical properties (such as structural, functional, and spatial information, amino acid conservation, physicochemical variation, residue mobility, and thermodynamic stability) performed at Invitae indicates that this missense variant is not expected to disrupt TRRAP protein function. This sequence change replaces glutamic acid, which is acidic and polar, with aspartic acid, which is acidic and polar, at codon 409 of the TRRAP protein (p.Glu409Asp). This variant is not present in population databases (gnomAD no frequency). This variant has not been reported in the literature in individuals affected with TRRAP-related conditions.

PreventionGenetics, part of Exact Sciences
Classification: Uncertain significance for TRRAP-related condition. Last evaluated: 2024-04-08. Review status: no assertion criteria provided. Collection method: clinical testing. Allele origin: germline. Not counted in ClinVar's aggregate classification.
Comment: The TRRAP c.1227G>T variant is predicted to result in the amino acid substitution p.Glu409Asp. To our knowledge, this variant has not been reported in the literature or in a large population database, indicating this variant is rare. At this time, the clinical significance of this variant is uncertain due to the absence of conclusive functional and genetic evidence.

NM_001375524.1(TRRAP):c.1227G>T (p.Glu409Asp)

Gene: TRRAP (transformation/transcription domain associated protein; plus strand). Cytogenetic location: 7q22.1.
Variant type: single nucleotide variant.
Coding change: c.1227G>T on transcript NM_001375524.1 (MANE Select); coding-DNA position 1227, G replaced by T.
Protein change: p.Glu409Asp; replaces glutamic acid 409 with aspartic acid.
Molecular consequence: missense variant.
Genome position (GRCh38, 1-based): chr7:98,908,839, G>T. VCF-style: chr7-98908839-G-T. GRCh37 (hg19) VCF-style: chr7-98506462-G-T.
Other names: c.1227G>T, p.Glu409Asp (NM_001244580.2, NM_003496.4); short protein forms E409D.
Identifiers: ClinVar variation 2630119 (VCV002630119.5), dbSNP rs140681775, ClinGen allele CA368283849.
Genomic context (GRCh38, chr7:98,908,839, plus strand): 5'-CCTGCCCCTCAGCGACCTCTCCCTCGCCGTCCAGCTCTTCGCCAAGAACATCGACGATGA[G>T]TCCCTGCCCAGCAGCATCCAGACCATGTCCTGCAAGCTCCTGCTGAACCTGGTGGACTGC-3'
Protein context (NP_001362453.1, residues 399-419): VQLFAKNIDD[Glu409Asp]SLPSSIQTMS